The following is an entry in ClinVar:

NM_016204.4(GDF2):c.619G>T (p.Val207Leu)

Gene: GDF2 (growth differentiation factor 2; plus strand). Cytogenetic location: 10q11.22.
Variant type: single nucleotide variant.
Coding change: c.619G>T on transcript NM_016204.4 (MANE Select); coding-DNA position 619, G replaced by T.
Protein change: p.Val207Leu; replaces valine 207 with leucine.
Molecular consequence: missense variant.
Genome position (GRCh38, 1-based): chr10:47,325,113, G>T. VCF-style: chr10-47325113-G-T. GRCh37 (hg19) VCF-style: chr10-48414249-C-A.
Other names: short protein forms V207L.
Identifiers: ClinVar variation 579429 (VCV000579429.4), dbSNP rs148262680, ClinGen allele CA5488069.

ClinVar aggregate classification (germline): Uncertain significance (1 of 4 stars; one submission).

Conditions:
Telangiectasia, hereditary hemorrhagic, type 5 (HHT5). Identifiers: Orphanet 774, MedGen C3809710, MONDO:0014217, OMIM 615506.

Allele frequency attached by ClinVar (database versions not stated): gnomAD 0.00002; TOPMed 0.00003; ExAC 0.00005; ESP Exome Variant Server 0.00015.
gnomAD v4.1: 168 of 1,613,940 alleles (0.01%); highest among the groups gnomAD compares: Non-Finnish European, 0.014%; no homozygotes.

Submission:

Labcorp Genetics (formerly Invitae), Labcorp
Classification: Uncertain significance for Telangiectasia, hereditary hemorrhagic, type 5. Last evaluated: 2021-09-01. Review status: criteria provided, single submitter. Criteria: Invitae Variant Classification Sherloc (09022015). Collection method: clinical testing. Allele origin: germline.
Comment: This sequence change replaces valine with leucine at codon 207 of the GDF2 protein (p.Val207Leu). The valine residue is highly conserved and there is a small physicochemical difference between valine and leucine. This variant is present in population databases (rs148262680, ExAC 0.009%). This variant has not been reported in the literature in individuals affected with GDF2-related conditions. Algorithms developed to predict the effect of missense changes on protein structure and function (SIFT, PolyPhen-2, Align-GVGD) all suggest that this variant is likely to be disruptive. In summary, the available evidence is currently insufficient to determine the role of this variant in disease. Therefore, it has been classified as a Variant of Uncertain Significance.